The following is an entry in ClinVar:

ClinVar aggregate classification (germline): Uncertain significance (1 of 4 stars; one submission).

Submission:

Labcorp Genetics (formerly Invitae), Labcorp
Classification: Uncertain significance. Last evaluated: 2023-12-12. Review status: criteria provided, single submitter. Criteria: Invitae Variant Classification Sherloc (09022015). Collection method: clinical testing. Allele origin: germline.
Comment: This sequence change falls in intron 2 of the SLC51B gene. It does not directly change the encoded amino acid sequence of the SLC51B protein. It affects a nucleotide within the consensus splice site. This variant is not present in population databases (gnomAD no frequency). This variant has not been reported in the literature in individuals affected with SLC51B-related conditions. Variants that disrupt the consensus splice site are a relatively common cause of aberrant splicing (PMID: 17576681, 9536098). Algorithms developed to predict the effect of sequence changes on RNA splicing suggest that this variant is not likely to affect RNA splicing. In summary, the available evidence is currently insufficient to determine the role of this variant in disease. Therefore, it has been classified as a Variant of Uncertain Significance.

Literature cited by the submitters: PubMed 17576681; PubMed 9536098.

NM_178859.4(SLC51B):c.98-3C>T

Genes: RASL12 (RAS like family 12; minus strand), SLC51B (SLC51 subunit beta; plus strand). Cytogenetic location: 15q22.31.
Variant type: single nucleotide variant.
Coding change: c.98-3C>T on transcript NM_178859.4 (MANE Select); 3 bases into the intron before coding-DNA position 98, C replaced by T.
Molecular consequence: intron variant.
Genome position (GRCh38, 1-based): chr15:65,051,512, C>T. VCF-style: chr15-65051512-C-T. GRCh37 (hg19) VCF-style: chr15-65343850-C-T.
Identifiers: ClinVar variation 2702611 (VCV002702611.3), dbSNP rs2506187534, ClinGen allele CA2697549137.